The following is an entry in ClinVar:

ClinVar aggregate classification (germline): Likely pathogenic. Review status: criteria provided, multiple submitters, no conflicts (2 of 4 stars). 3 submissions from 3 submitters: Likely pathogenic (3). Last evaluated 2023-02-08.

Conditions:
Spinocerebellar ataxia, autosomal recessive, with axonal neuropathy 2 (SCAN2). Also called: Ataxia with Oculomotor Apraxia; ATAXIA-OCULOMOTOR APRAXIA 2; Ataxia-ocular apraxia-2; Ataxia with Oculomotor Apraxia Type 2. Identifiers: Orphanet 64753, MedGen C1853761, MONDO:0018996, OMIM 606002.

Submissions (3):

Genome-Nilou Lab
Classification: Likely pathogenic for Spinocerebellar ataxia, autosomal recessive, with axonal neuropathy 2. Last evaluated: 2023-02-08. Review status: criteria provided, single submitter. Criteria: ACMG Guidelines, 2015. Collection method: clinical testing. Allele origin: germline.

Genetic Services Laboratory, University of Chicago
Classification: Likely pathogenic for Ataxia-ocular apraxia-2. Last evaluated: 2014-04-04. Review status: criteria provided, single submitter. Criteria: ACMG Guidelines, 2007. Collection method: clinical testing. Allele origin: germline. Affected: yes.

Baylor Genetics
Classification: Likely pathogenic for Spinocerebellar ataxia autosomal recessive 1. Last evaluated: 2013-06-05. Review status: criteria provided, single submitter. Criteria: Yang et al. 2013. Collection method: clinical testing. Allele origin: unknown. Inheritance: Autosomal recessive inheritance. Affected: yes. Observed: 1 variant allele, 1 compound heterozygote. Study: Adult_WES.

Literature cited by the submitters: PubMed 26633545 (cited by Baylor Genetics).

NM_015046.7(SETX):c.6038T>G (p.Val2013Gly)

Gene: SETX (senataxin; minus strand). Cytogenetic location: 9q34.13.
Variant type: single nucleotide variant.
Coding change: c.6038T>G on transcript NM_015046.7 (MANE Select); coding-DNA position 6038, T replaced by G.
Protein change: p.Val2013Gly; replaces valine 2013 with glycine.
Molecular consequence: missense variant.
Genome position (GRCh38, 1-based): chr9:132,295,940, A>C on the plus strand (T>G on the coding strand, the complement: SETX is on the minus strand). VCF-style: chr9-132295940-A-C. GRCh37 (hg19) VCF-style: chr9-135171327-A-C.
Other names: c.6038T>G, p.Val2013Gly (NM_001351527.2, NM_001351528.2); short protein forms V2013G.
Identifiers: ClinVar variation 209189 (VCV000209189.8), dbSNP rs797045068, ClinGen allele CA276163.